The following is an entry in ClinVar:

ClinVar aggregate classification (germline): Uncertain significance (1 of 4 stars; one submission).

Conditions:
Neuroblastoma, susceptibility to, 3. Also called: ALK-Related Neuroblastic Tumor Susceptibility. Identifiers: Orphanet 635, MedGen C2751681, MONDO:0013083, OMIM 613014.

Submission:

Labcorp Genetics (formerly Invitae), Labcorp
Classification: Uncertain significance for Neuroblastoma, susceptibility to, 3. Last evaluated: 2022-05-04. Review status: criteria provided, single submitter. Criteria: Invitae Variant Classification Sherloc (09022015). Collection method: clinical testing. Allele origin: germline.
Comment: In summary, the available evidence is currently insufficient to determine the role of this variant in disease. Therefore, it has been classified as a Variant of Uncertain Significance. Algorithms developed to predict the effect of missense changes on protein structure and function (SIFT, PolyPhen-2, Align-GVGD) all suggest that this variant is likely to be tolerated. This variant has not been reported in the literature in individuals affected with ALK-related conditions. This variant is not present in population databases (gnomAD no frequency). This sequence change replaces glutamic acid, which is acidic and polar, with aspartic acid, which is acidic and polar, at codon 1526 of the ALK protein (p.Glu1526Asp).

NM_004304.5(ALK):c.4578G>C (p.Glu1526Asp)

Gene: ALK (ALK receptor tyrosine kinase; minus strand). Cytogenetic location: 2p23.2.
Variant type: single nucleotide variant.
Coding change: c.4578G>C on transcript NM_004304.5 (MANE Select); coding-DNA position 4578, G replaced by C.
Protein change: p.Glu1526Asp; replaces glutamic acid 1526 with aspartic acid.
Molecular consequence: missense variant.
Genome position (GRCh38, 1-based): chr2:29,193,509, C>G on the plus strand (G>C on the coding strand, the complement: ALK is on the minus strand). VCF-style: chr2-29193509-C-G. GRCh37 (hg19) VCF-style: chr2-29416375-C-G.
Other names: c.1374G>C, p.Glu458Asp (NM_001353765.2); short protein forms E1526D, E458D.
Identifiers: ClinVar variation 2133550 (VCV002133550.4), dbSNP rs754743349, ClinGen allele CA346460702.